The following is an entry in ClinVar:

ClinVar aggregate classification (germline): Benign/Likely benign. Review status: criteria provided, multiple submitters, no conflicts (2 of 4 stars). 7 submissions from 7 submitters: Benign (2); Likely benign (4). 1 of the submissions does not count toward it. Last evaluated 2026-04-01.

Conditions:
Epidermolysis bullosa simplex, Ogna type (EBS5A). Also called: Pidermolysis bullosa simplex 5A, Ogna type; EPIDERMOLYSIS BULLOSA SIMPLEX 5A, OGNA TYPE. Identifiers: Orphanet 79401, MedGen C0432317, MONDO:0007555, OMIM 131950.
Epidermolysis bullosa simplex with nail dystrophy (EBS5D). Identifiers: MedGen C4225309, MONDO:0014661, OMIM 616487.
Autosomal recessive limb-girdle muscular dystrophy type 2Q (LGMDR17). Also called: MUSCULAR DYSTROPHY, LIMB-GIRDLE, AUTOSOMAL RECESSIVE 17. Identifiers: Orphanet 254361, MedGen C3150989, MONDO:0013390, OMIM 613723.
Epidermolysis bullosa simplex 5C, with pyloric atresia (EBS5C). Also called: Epidermolysis bullosa simplex with pyloric atresia; PLEC1-Related Epidermolysis Bullosa with Pyloric Atresia; PLEC-Related Epidermolysis Bullosa with Pyloric Atresia. Identifiers: Orphanet 158684, MedGen C2677349, MONDO:0012807, OMIM 612138.
Epidermolysis bullosa simplex 5B, with muscular dystrophy (EBS5B). Also called: Epidermolysis bullosa simplex with muscular dystrophy; EPIDERMOLYSIS BULLOSA SIMPLEX AND LIMB-GIRDLE MUSCULAR DYSTROPHY. Identifiers: Orphanet 257, MedGen C2931072, MONDO:0009181, OMIM 226670.
PLEC-related disorder. Also called: PLEC-related disorders; PLEC-related condition.

Allele frequency attached by ClinVar (database versions not stated): gnomAD exomes 0.00072; ExAC 0.00106; gnomAD 0.00175 and 0.00183; TOPMed 0.00207; 1000 Genomes Project 0.00300; 1000 Genomes Project 30x 0.00375.
gnomAD v4.1: 701 of 1,544,966 alleles (0.045%); highest among the groups gnomAD compares: African/African-American, 0.54%; 2 homozygotes.

Submissions (7):

CeGaT Center for Human Genetics Tuebingen
Classification: Likely benign. Last evaluated: 2026-04-01. Review status: criteria provided, single submitter. Criteria: CeGaT Center For Human Genetics Tuebingen Variant Classification Criteria Version 2. Collection method: clinical testing. Allele origin: germline. Affected: yes. Observed: 2 variant alleles.
Comment: PLEC: PP3, BS2

Labcorp Genetics (formerly Invitae), Labcorp
Classification: Likely benign for Autosomal recessive limb-girdle muscular dystrophy type 2Q; Epidermolysis bullosa simplex, Ogna type; Epidermolysis bullosa simplex with nail dystrophy; Epidermolysis bullosa simplex 5C, with pyloric atresia; Epidermolysis bullosa simplex 5B, with muscular dystrophy. Last evaluated: 2026-01-26. Review status: criteria provided, single submitter. Criteria: Invitae Variant Classification Sherloc (09022015). Collection method: clinical testing. Allele origin: germline.

Blueprint Genetics
Classification: Likely benign. Last evaluated: 2024-10-15. Review status: criteria provided, single submitter. Criteria: ACMG Guidelines, 2015. Collection method: clinical testing. Allele origin: germline.

GeneDx
Classification: Likely benign. Last evaluated: 2021-05-01. Review status: criteria provided, single submitter. Criteria: GeneDx Variant Classification Process June 2021. Collection method: clinical testing. Allele origin: germline. Affected: yes.

Athena Diagnostics
Classification: Benign. Last evaluated: 2019-01-10. Review status: criteria provided, single submitter. Criteria: Athena Diagnostics Criteria. Collection method: clinical testing. Allele origin: germline.

Eurofins Ntd Llc (ga)
Classification: Benign. Last evaluated: 2015-09-15. Review status: criteria provided, single submitter. Criteria: EGL Classification Definitions 2015. Collection method: clinical testing. Allele origin: germline. Observed: 1 variant allele, 1 heterozygote.

PreventionGenetics, part of Exact Sciences
Classification: Likely benign for PLEC-related condition. Last evaluated: 2021-03-04. Review status: no assertion criteria provided. Collection method: clinical testing. Allele origin: germline. Not counted in ClinVar's aggregate classification.
Comment: This variant is classified as likely benign based on ACMG/AMP sequence variant interpretation guidelines (Richards et al. 2015 PMID: 25741868, with internal and published modifications).

NM_201384.3(PLEC):c.4873G>A (p.Glu1625Lys)

Gene: PLEC (plectin; minus strand). Cytogenetic location: 8q24.3.
Variant type: single nucleotide variant.
Coding change: c.4873G>A on transcript NM_201384.3 (MANE Select); coding-DNA position 4873, G replaced by A.
Protein change: p.Glu1625Lys; replaces glutamic acid 1625 with lysine.
Molecular consequence: missense variant.
Genome position (GRCh38, 1-based): chr8:143,925,056, C>T on the plus strand (G>A on the coding strand, the complement: PLEC is on the minus strand). VCF-style: chr8-143925056-C-T. GRCh37 (hg19) VCF-style: chr8-144999224-C-T.
Other names: c.4954G>A, p.Glu1652Lys (NM_000445.5); c.4831G>A, p.Glu1611Lys (NM_201378.4); c.4807G>A, p.Glu1603Lys (NM_201379.3); c.5284G>A, p.Glu1762Lys (NM_201380.4); c.4777G>A, p.Glu1593Lys (NM_201381.3); c.4873G>A, p.Glu1625Lys (NM_201382.4); c.4885G>A, p.Glu1629Lys (NM_201383.3); short protein forms E1603K, E1652K, E1593K, E1611K, E1625K, E1629K, E1762K.
Identifiers: ClinVar variation 283304 (VCV000283304.30), dbSNP rs187338487, ClinGen allele CA4926512.